The following is an entry in ClinVar:

NM_003047.5(SLC9A1):c.1758C>T (p.Ile586=)

Gene: SLC9A1 (solute carrier family 9 member A1; minus strand). Cytogenetic location: 1p36.11.
Variant type: single nucleotide variant.
Coding change: c.1758C>T on transcript NM_003047.5 (MANE Select); coding-DNA position 1758, C replaced by T.
Protein change: p.Ile586=; no amino-acid change (isoleucine 586 retained).
Molecular consequence: synonymous variant. On other transcripts: non-coding transcript variant (1).
Genome position (GRCh38, 1-based): chr1:27,102,447, G>A on the plus strand (C>T on the coding strand, the complement: SLC9A1 is on the minus strand). VCF-style: chr1-27102447-G-A. GRCh37 (hg19) VCF-style: chr1-27428938-G-A.
Identifiers: ClinVar variation 2638553 (VCV002638553.26), dbSNP rs373894487, ClinGen allele CA711008.

ClinVar aggregate classification (germline): Likely benign. Review status: criteria provided, multiple submitters, no conflicts (2 of 4 stars). 2 submissions from 2 submitters: Likely benign (2). Last evaluated 2026-06-01.

Allele frequency attached by ClinVar (database versions not stated): gnomAD 0.00003; ESP Exome Variant Server 0.00008; gnomAD exomes 0.00002; ExAC 0.00003.

Submissions (2):

CeGaT Center for Human Genetics Tuebingen
Classification: Likely benign. Last evaluated: 2026-06-01. Review status: criteria provided, single submitter. Criteria: CeGaT Center For Human Genetics Tuebingen Variant Classification Criteria Version 2. Collection method: clinical testing. Allele origin: germline. Affected: yes. Observed: 2 variant alleles.
Comment: SLC9A1: BP4, BP7

Labcorp Genetics (formerly Invitae), Labcorp
Classification: Likely benign. Last evaluated: 2025-11-17. Review status: criteria provided, single submitter. Criteria: Invitae Variant Classification Sherloc (09022015). Collection method: clinical testing. Allele origin: germline.